The following is an entry in ClinVar:

ClinVar aggregate classification (germline): Uncertain significance. Review status: criteria provided, multiple submitters, no conflicts (2 of 4 stars). 3 submissions from 3 submitters: Uncertain significance (3). Last evaluated 2025-05-26.

Conditions:
Inborn genetic diseases. Identifiers: MedGen C0950123, MeSH D030342.
Nephronophthisis 16 (NPHP16). Identifiers: Orphanet 655, MedGen C3809320, MONDO:0014158, OMIM 615382.

Allele frequency attached by ClinVar (database versions not stated): ExAC 0.00003; TOPMed 0.00003; gnomAD exomes 0.00004; gnomAD 0.00005; ESP Exome Variant Server 0.00008.
gnomAD v4.1: 59 of 1,613,588 alleles (0.0037%); highest among the groups gnomAD compares: South Asian, 0.011%; no homozygotes.

Submissions (3):

Labcorp Genetics (formerly Invitae), Labcorp
Classification: Uncertain significance for Nephronophthisis 16. Last evaluated: 2025-05-26. Review status: criteria provided, single submitter. Criteria: Invitae Variant Classification Sherloc (09022015). Collection method: clinical testing. Allele origin: germline.
Comment: This sequence change replaces serine, which is neutral and polar, with leucine, which is neutral and non-polar, at codon 755 of the ANKS6 protein (p.Ser755Leu). This variant is present in population databases (rs370230003, gnomAD 0.01%). This variant has not been reported in the literature in individuals affected with ANKS6-related conditions. ClinVar contains an entry for this variant (Variation ID: 541402). An algorithm developed to predict the effect of missense changes on protein structure and function (PolyPhen-2) suggests that this variant is likely to be disruptive. In summary, the available evidence is currently insufficient to determine the role of this variant in disease. Therefore, it has been classified as a Variant of Uncertain Significance.

Ambry Genetics
Classification: Uncertain significance for Inborn genetic diseases. Last evaluated: 2024-10-07. Review status: criteria provided, single submitter. Criteria: Ambry Variant Classification Scheme 2023. Collection method: clinical testing. Allele origin: germline.

Fulgent Genetics
Classification: Uncertain significance for Nephronophthisis 16. Last evaluated: 2024-02-05. Review status: criteria provided, single submitter. Criteria: ACMG Guidelines, 2015. Collection method: clinical testing. Allele origin: germline.

NM_173551.5(ANKS6):c.2264C>T (p.Ser755Leu)

Gene: ANKS6 (ankyrin repeat and sterile alpha motif domain containing 6; minus strand). Cytogenetic location: 9q22.33.
Variant type: single nucleotide variant.
Coding change: c.2264C>T on transcript NM_173551.5 (MANE Select); coding-DNA position 2264, C replaced by T.
Protein change: p.Ser755Leu; replaces serine 755 with leucine.
Molecular consequence: missense variant.
Genome position (GRCh38, 1-based): chr9:98,756,482, G>A on the plus strand (C>T on the coding strand, the complement: ANKS6 is on the minus strand). VCF-style: chr9-98756482-G-A. GRCh37 (hg19) VCF-style: chr9-101518764-G-A.
Other names: c.2264C>T (NM_173551.3); short protein forms S755L.
Identifiers: ClinVar variation 541402 (VCV000541402.10), dbSNP rs370230003, ClinGen allele CA5153216.